The following is an entry in ClinVar:

ClinVar aggregate classification (germline): Pathogenic (1 of 4 stars; one submission).

Conditions:
Spastic paraplegia. Identifiers: MedGen C0037772, HP:0001258.

Submission:

Labcorp Genetics (formerly Invitae), Labcorp
Classification: Pathogenic for Spastic paraplegia. Last evaluated: 2020-02-15. Review status: criteria provided, single submitter. Criteria: Invitae Variant Classification Sherloc (09022015). Collection method: clinical testing. Allele origin: germline.
Comment: Loss-of-function variants in SACS are known to be pathogenic (PMID: 18465152, 20876471). For these reasons, this variant has been classified as Pathogenic. This variant has not been reported in the literature in individuals with SACS-related conditions. This sequence change creates a premature translational stop signal (p.Glu585Asnfs*39) in the SACS gene. It is expected to result in an absent or disrupted protein product. This variant is not present in population databases (ExAC no frequency).

Literature cited by the submitters: PubMed 18465152; PubMed 20876471.

NM_014363.6(SACS):c.1752del (p.Glu585fs)

Gene: SACS (sacsin molecular chaperone; minus strand). Cytogenetic location: 13q12.12.
Variant type: Deletion.
Coding change: c.1752del on transcript NM_014363.6 (MANE Select); coding-DNA position 1752, one base deleted (A; older notation c.1752delA).
Protein change: p.Glu585fs; shifts the reading frame from glutamic acid 585.
Molecular consequence: frameshift variant.
Genome position (GRCh38, 1-based): chr13:23,354,860, T deleted on the plus strand (A on the coding strand, the reverse complement: SACS is on the minus strand). VCF-style (leftmost placement, unchanged base first): chr13-23354859-CT-C. GRCh37 (hg19) VCF-style: chr13-23928998-CT-C.
Other names: c.1311del, p.Glu438fs (NM_001278055.2); short protein forms E438fs, E585fs.
Identifiers: ClinVar variation 1069091 (VCV001069091.7), dbSNP rs2137719240, ClinGen allele CA2499221988.
Genomic context (GRCh38, chr13:23,354,859, plus strand): 5'-GTACCTTGGCAATCTGCTTCCCTGAGCTCTGGAGGTAGTTGAGCACAGTTTTTGTGTATT[CT>C]AAATTTTCATCAAGTTCTGAGAAGTACACCTGCTCCAACCTGACCCAGTCACAGCTAATT-3'